The following is an entry in ClinVar:

ClinVar aggregate classification (germline): Uncertain significance (1 of 4 stars; one submission).

Submission:

Labcorp Genetics (formerly Invitae), Labcorp
Classification: Uncertain significance. Last evaluated: 2025-10-05. Review status: criteria provided, single submitter. Criteria: Invitae Variant Classification Sherloc (09022015). Collection method: clinical testing. Allele origin: germline.
Comment: This sequence change replaces glutamine, which is neutral and polar, with histidine, which is basic and polar, at codon 145 of the LOX protein (p.Gln145His). This variant is not present in population databases (gnomAD no frequency). This variant has not been reported in the literature in individuals affected with LOX-related conditions. Invitae Evidence Modeling of protein sequence and biophysical properties (such as structural, functional, and spatial information, amino acid conservation, physicochemical variation, residue mobility, and thermodynamic stability) indicates that this missense variant is not expected to disrupt LOX protein function with a negative predictive value of 95%. In summary, the available evidence is currently insufficient to determine the role of this variant in disease. Therefore, it has been classified as a Variant of Uncertain Significance.

NM_002317.7(LOX):c.435G>T (p.Gln145His)

Genes: LOX (lysyl oxidase; minus strand), SRFBP1 (serum response factor binding protein 1; plus strand). Cytogenetic location: 5q23.1.
Variant type: single nucleotide variant.
Coding change: c.435G>T on transcript NM_002317.7 (MANE Select); coding-DNA position 435, G replaced by T.
Protein change: p.Gln145His; replaces glutamine 145 with histidine.
Molecular consequence: missense variant.
Genome position (GRCh38, 1-based): chr5:122,077,551, C>A on the plus strand (G>T on the coding strand, the complement: LOX is on the minus strand). VCF-style: chr5-122077551-C-A. GRCh37 (hg19) VCF-style: chr5-121413246-C-A.
Other names: short protein forms Q145H.
Identifiers: ClinVar variation 4710012 (VCV004710012.1).